The following is an entry in ClinVar:

ClinVar aggregate classification (germline): Uncertain significance (1 of 4 stars; one submission).

Conditions:
Catecholaminergic polymorphic ventricular tachycardia 1. Also called: VENTRICULAR TACHYCARDIA, STRESS-INDUCED POLYMORPHIC 1; VENTRICULAR TACHYCARDIA, CATECHOLAMINERGIC POLYMORPHIC, 1, WITH OR WITHOUT ATRIAL DYSFUNCTION AND/OR DILATED CARDIOMYOPATHY; RYR2-Related Catecholaminergic Polymorphic Ventricular Tachycardia. Identifiers: Orphanet 3286, MedGen C1631597, MONDO:0011484, OMIM 604772.

gnomAD v4.1: 1 of 1,612,462 alleles (0.000062%); no homozygotes.

Submission:

Labcorp Genetics (formerly Invitae), Labcorp
Classification: Uncertain significance for Catecholaminergic polymorphic ventricular tachycardia 1. Last evaluated: 2024-12-04. Review status: criteria provided, single submitter. Criteria: Invitae Variant Classification Sherloc (09022015). Collection method: clinical testing. Allele origin: germline.
Comment: This sequence change replaces glutamic acid, which is acidic and polar, with lysine, which is basic and polar, at codon 3393 of the RYR2 protein (p.Glu3393Lys). This variant is not present in population databases (gnomAD no frequency). This variant has not been reported in the literature in individuals affected with RYR2-related conditions. Invitae Evidence Modeling of protein sequence and biophysical properties (such as structural, functional, and spatial information, amino acid conservation, physicochemical variation, residue mobility, and thermodynamic stability) has been performed for this missense variant. However, the output from this modeling did not meet the statistical confidence thresholds required to predict the impact of this variant on RYR2 protein function. In summary, the available evidence is currently insufficient to determine the role of this variant in disease. Therefore, it has been classified as a Variant of Uncertain Significance.

NM_001035.3(RYR2):c.10177G>A (p.Glu3393Lys)

Gene: RYR2 (ryanodine receptor 2; plus strand). Cytogenetic location: 1q43.
Variant type: single nucleotide variant.
Coding change: c.10177G>A on transcript NM_001035.3 (MANE Select); coding-DNA position 10177, G replaced by A.
Protein change: p.Glu3393Lys; replaces glutamic acid 3393 with lysine.
Molecular consequence: missense variant.
Genome position (GRCh38, 1-based): chr1:237,709,514, G>A. VCF-style: chr1-237709514-G-A. GRCh37 (hg19) VCF-style: chr1-237872814-G-A.
Other names: short protein forms E3393K.
Identifiers: ClinVar variation 3685447 (VCV003685447.2).